The following is an entry in ClinVar:

NM_001365951.3(KIF1B):c.1720G>C (p.Ala574Pro)

Gene: KIF1B (kinesin family member 1B; plus strand). Cytogenetic location: 1p36.22.
Variant type: single nucleotide variant.
Coding change: c.1720G>C on transcript NM_001365951.3 (MANE Select); coding-DNA position 1720, G replaced by C.
Protein change: p.Ala574Pro; replaces alanine 574 with proline.
Molecular consequence: missense variant.
Genome position (GRCh38, 1-based): chr1:10,295,709, G>C. VCF-style: chr1-10295709-G-C. GRCh37 (hg19) VCF-style: chr1-10355767-G-C.
Other names: c.1720G>C, p.Ala574Pro (NM_001365952.1); c.1582G>C, p.Ala528Pro (NM_001365953.1, NM_015074.3, NM_183416.4); short protein forms A528P, A574P.
Identifiers: ClinVar variation 1047844 (VCV001047844.8), dbSNP rs749223318, ClinGen allele CA338314935.

ClinVar aggregate classification (germline): Uncertain significance (1 of 4 stars; one submission).

Conditions:
Charcot-Marie-Tooth disease type 2. Also called: Charcot-Marie-Tooth type 2. Identifiers: Orphanet 64746, MedGen C0270914, MONDO:0018993.

Submission:

Labcorp Genetics (formerly Invitae), Labcorp
Classification: Uncertain significance for Charcot-Marie-Tooth disease type 2. Last evaluated: 2025-10-26. Review status: criteria provided, single submitter. Criteria: Invitae Variant Classification Sherloc (09022015). Collection method: clinical testing. Allele origin: germline.
Comment: This sequence change replaces alanine, which is neutral and non-polar, with proline, which is neutral and non-polar, at codon 528 of the KIF1B protein (p.Ala528Pro). This variant is not present in population databases (gnomAD no frequency). This variant has not been reported in the literature in individuals affected with KIF1B-related conditions. ClinVar contains an entry for this variant (Variation ID: 1047844). Invitae Evidence Modeling of protein sequence and biophysical properties (such as structural, functional, and spatial information, amino acid conservation, physicochemical variation, residue mobility, and thermodynamic stability) indicates that this missense variant is not expected to disrupt KIF1B protein function with a negative predictive value of 80%. In summary, the available evidence is currently insufficient to determine the role of this variant in disease. Therefore, it has been classified as a Variant of Uncertain Significance.